The following is an entry in ClinVar:

ClinVar aggregate classification (germline): Conflicting classifications of pathogenicity. Review status: criteria provided, conflicting classifications (1 of 4 stars). 4 submissions from 4 submitters: Likely pathogenic (2); Uncertain significance (2). Last evaluated 2024-11-24.

Conditions:
Fanconi anemia complementation group J. Also called: BRIP1-Related Fanconi Anemia. Identifiers: Orphanet 84, MedGen C1836860, MONDO:0012187, OMIM 609054.
Familial cancer of breast. Also called: BREAST CANCER, FAMILIAL; Hereditary breast cancer; hereditary breast carcinoma. Identifiers: Orphanet 227535, MedGen C0346153, MONDO:0016419, OMIM 114480. Disease mechanism: loss of function.
Hereditary cancer-predisposing syndrome. Also called: Hereditary neoplastic syndrome; Hereditary Cancer Syndrome; Tumor predisposition; Neoplastic Syndromes, Hereditary. Identifiers: Orphanet 140162, MedGen C0027672, MeSH D009386, MONDO:0015356.

Submissions (4):

GeneDx
Classification: Likely pathogenic. Last evaluated: 2024-11-24. Review status: criteria provided, single submitter. Criteria: GeneDx Variant Classification Process June 2021. Collection method: clinical testing. Allele origin: germline. Affected: yes.
Comment: Alters the last nucleotide of the exon and is predicted to destroy the splice donor site and result in aberrant splicing, although in the absence of functional evidence the actual effect of this sequence change is unknown; Not observed at significant frequency in large population cohorts (gnomAD); Has not been previously published as pathogenic or benign to our knowledge

Ambry Genetics
Classification: Uncertain significance for Hereditary cancer-predisposing syndrome. Last evaluated: 2024-06-05. Review status: criteria provided, single submitter. Criteria: Ambry Variant Classification Scheme 2023. Collection method: clinical testing. Allele origin: germline.
Comment: The p.G859R variant (also known as c.2575G>A), located in coding exon 17 of the BRIP1 gene, results from a G to A substitution at nucleotide position 2575. The glycine at codon 859 is replaced by arginine, an amino acid with dissimilar properties. However, this change occurs in the last base pair of coding exon 17, which makes it likely to have some effect on normal mRNA splicing. This nucleotide position is highly conserved in available vertebrate species. This amino acid position is highly conserved in available vertebrate species. In silico splice site analysis predicts that this alteration will weaken the native splice donor site. In addition, as a missense substitution this is predicted to be tolerated by in silico analysis. Based on the available evidence, the clinical significance of this variant remains unclear.

Labcorp Genetics (formerly Invitae), Labcorp
Classification: Likely pathogenic for Familial cancer of breast; Fanconi anemia complementation group J. Last evaluated: 2023-11-13. Review status: criteria provided, single submitter. Criteria: Invitae Variant Classification Sherloc (09022015). Collection method: clinical testing. Allele origin: germline.
Comment: This sequence change replaces glycine, which is neutral and non-polar, with arginine, which is basic and polar, at codon 859 of the BRIP1 protein (p.Gly859Arg). RNA analysis indicates that this missense change induces altered splicing and may result in an absent or disrupted protein product. This variant is not present in population databases (gnomAD no frequency). This variant has not been reported in the literature in individuals affected with BRIP1-related conditions. ClinVar contains an entry for this variant (Variation ID: 968314). An algorithm developed to predict the effect of missense changes on protein structure and function (PolyPhen-2) suggests that this variant is likely to be disruptive. Variants that disrupt the consensus splice site are a relatively common cause of aberrant splicing (PMID: 17576681, 9536098). Studies have shown that this missense change results in skipping of exon 18 and introduces a premature termination codon (Invitae). The resulting mRNA is expected to undergo nonsense-mediated decay. In summary, the currently available evidence indicates that the variant is pathogenic, but additional data are needed to prove that conclusively. Therefore, this variant has been classified as Likely Pathogenic.

Quest Diagnostics Nichols Institute San Juan Capistrano
Classification: Uncertain significance. Last evaluated: 2023-01-27. Review status: criteria provided, single submitter. Criteria: Quest Diagnostics criteria. Collection method: clinical testing. Allele origin: unknown.
Comment: The variant has not been reported in the published literature. It also has not been reported in large, multi-ethnic general populations. Analysis of this variant using bioinformatics tools for the prediction of the effect of amino acid changes on protein structure and function yielded predictions that this variant is damaging. Based on the available information, we are unable to determine the clinical significance of this variant.

Literature cited by the submitters: PubMed 17576681 (cited by Labcorp Genetics (formerly Invitae), Labcorp); PubMed 9536098 (cited by Labcorp Genetics (formerly Invitae), Labcorp).

NM_032043.3(BRIP1):c.2575G>A (p.Gly859Arg)

Gene: BRIP1 (BRCA1 interacting DNA helicase 1; minus strand). Cytogenetic location: 17q23.2.
Variant type: single nucleotide variant.
Coding change: c.2575G>A on transcript NM_032043.3 (MANE Select); coding-DNA position 2575, G replaced by A.
Protein change: p.Gly859Arg; replaces glycine 859 with arginine.
Molecular consequence: missense variant.
Genome position (GRCh38, 1-based): chr17:61,693,430, C>T on the plus strand (G>A on the coding strand, the complement: BRIP1 is on the minus strand). VCF-style: chr17-61693430-C-T. GRCh37 (hg19) VCF-style: chr17-59770791-C-T.
Other names: short protein forms G859R.
Identifiers: ClinVar variation 968314 (VCV000968314.16), dbSNP rs2061476512, ClinGen allele CA400482306.